The following is an entry in ClinVar:

ClinVar aggregate classification (germline): Likely benign (1 of 4 stars; one submission).

Conditions:
Catecholaminergic polymorphic ventricular tachycardia (CVPT). Also called: Catecholamine-induced polymorphic ventricular tachycardia. Identifiers: Orphanet 3286, MedGen C5574922, MONDO:0017990.

Allele frequency attached by ClinVar (database versions not stated): gnomAD exomes below 0.00001.
gnomAD v4.1: 1 of 1,612,784 alleles (0.000062%); no homozygotes.

Submission:

All of Us Research Program, National Institutes of Health
Classification: Likely benign for Catecholaminergic polymorphic ventricular tachycardia. Last evaluated: 2023-09-17. Review status: criteria provided, single submitter. Criteria: ACMG Guidelines, 2015. Collection method: clinical testing. Allele origin: germline. Inheritance: Autosomal dominant inheritance. Observed: 1 variant allele, 1 heterozygote.
Comment: This study involves interpretation of variants in research participants for the purpose of population health screening. Participant phenotype was not available at the time of variant classification. Additional details can be found in publication PMID: 35346344, PMCID: PMC8962531

NM_001035.3(RYR2):c.5988A>G (p.Leu1996=)

Gene: RYR2 (ryanodine receptor 2; plus strand). Cytogenetic location: 1q43.
Variant type: single nucleotide variant.
Coding change: c.5988A>G on transcript NM_001035.3 (MANE Select); coding-DNA position 5988, A replaced by G.
Protein change: p.Leu1996=; no amino-acid change (leucine 1996 retained).
Molecular consequence: synonymous variant.
Genome position (GRCh38, 1-based): chr1:237,623,836, A>G. VCF-style: chr1-237623836-A-G. GRCh37 (hg19) VCF-style: chr1-237787136-A-G.
Identifiers: ClinVar variation 3073385 (VCV003073385.1), dbSNP rs1327855222, ClinGen allele CA423821447.